The following is an entry in ClinVar:

NM_014314.4(RIGI):c.2603A>C (p.Asn868Thr)

Gene: RIGI (RNA sensor RIG-I; minus strand). Cytogenetic location: 9p21.1.
Variant type: single nucleotide variant.
Coding change: c.2603A>C on transcript NM_014314.4 (MANE Select); coding-DNA position 2603, A replaced by C.
Protein change: p.Asn868Thr; replaces asparagine 868 with threonine.
Molecular consequence: missense variant.
Genome position (GRCh38, 1-based): chr9:32,457,297, T>G on the plus strand (A>C on the coding strand, the complement: RIGI is on the minus strand). VCF-style: chr9-32457297-T-G. GRCh37 (hg19) VCF-style: chr9-32457295-T-G.
Other names: c.2597A>C, p.Asn866Thr (NM_001385907.1); c.2432A>C, p.Asn811Thr (NM_001385909.1); c.2162A>C, p.Asn721Thr (NM_001385910.1); c.1994A>C, p.Asn665Thr (NM_001385912.1); c.2588A>C, p.Asn863Thr (NM_001385913.1); c.2159A>C, p.Asn720Thr (NM_001385914.1); short protein forms N721T, N720T, N866T, N868T, N665T, N811T, N863T.
Identifiers: ClinVar variation 1511135 (VCV001511135.6), dbSNP rs1297989197, ClinGen allele CA373142059.
Genomic context (GRCh38, chr9:32,457,297, plus strand): 5'-TTTATAACTGGAATCTCAAATGTCTTGTACTTCACATGGATTCCCCAGTCATGGCTGCAG[T>G]TCTGTCGGGCACAGAATATCTTTGCTCTTTTTTCAAAACTTGAAAACTGCTTTGGCTTGG-3'
Protein context (NP_055129.2, residues 858-878): KRAKIFCARQ[Asn868Thr]CSHDWGIHVK

ClinVar aggregate classification (germline): Uncertain significance (1 of 4 stars; one submission).

Allele frequency attached by ClinVar (database versions not stated): TOPMed below 0.00001.
gnomAD v4.1: 1 of 1,614,136 alleles (0.000062%); highest among the groups gnomAD compares: Admixed American, 0.0017%; no homozygotes.

Submission:

Labcorp Genetics (formerly Invitae), Labcorp
Classification: Uncertain significance. Last evaluated: 2025-12-20. Review status: criteria provided, single submitter. Criteria: Invitae Variant Classification Sherloc (09022015). Collection method: clinical testing. Allele origin: germline.
Comment: This sequence change replaces asparagine, which is neutral and polar, with threonine, which is neutral and polar, at codon 868 of the DDX58 protein (p.Asn868Thr). This variant is not present in population databases (gnomAD no frequency). This variant has not been reported in the literature in individuals affected with DDX58-related conditions. ClinVar contains an entry for this variant (Variation ID: 1511135). Invitae Evidence Modeling of protein sequence and biophysical properties (such as structural, functional, and spatial information, amino acid conservation, physicochemical variation, residue mobility, and thermodynamic stability) indicates that this missense variant is not expected to disrupt DDX58 protein function with a negative predictive value of 80%. In summary, the available evidence is currently insufficient to determine the role of this variant in disease. Therefore, it has been classified as a Variant of Uncertain Significance.